The following is an entry in ClinVar:

NM_007294.4(BRCA1):c.4320_4322del (p.Glu1440del)

Gene: BRCA1 (BRCA1 DNA repair associated; minus strand). Cytogenetic location: 17q21.31.
Variant type: Deletion.
Coding change: c.4320_4322del on transcript NM_007294.4 (MANE Select); coding-DNA positions 4320 to 4322, 3 bases deleted (GGA; older notation c.4320_4322delGGA).
Protein change: p.Glu1440del; deletes glutamic acid 1440.
Molecular consequence: inframe deletion.
Genome position (GRCh38, 1-based): chr17:43,082,439-43,082,441, TCC deleted on the plus strand (GGA on the coding strand, the reverse complement: BRCA1 is on the minus strand); deleting any 3 consecutive bases within chr17:43,082,439-43,082,443 gives the same sequence; the c. name uses the placement nearest the transcript's 3' end. VCF-style (leftmost placement, unchanged base first): chr17-43082438-GTCC-G. GRCh37 (hg19) VCF-style: chr17-41234455-GTCC-G.
Other names: c.4317_4319del, p.Glu1439del (NM_001407625.1, NM_001407626.1, NM_001407587.1 and 21 more transcripts); c.4314_4316del, p.Glu1438del (NM_001407627.1, NM_001407628.1, NM_001407629.1 and 5 more transcripts); c.4107_4109del, p.Glu1369del (NM_001407571.1, NM_001407896.1, NM_001407897.1 and 12 more transcripts); c.4320_4322del, p.Glu1440del (NM_001407581.1, NM_001407582.1, NM_001407583.1 and 23 more transcripts); c.4320_4322delGGA (NM_007294.4); c.4197_4199del, p.Glu1399del (NM_001407939.1, NM_001407677.1, NM_001407678.1 and 13 more transcripts); c.4194_4196del, p.Glu1398del (NM_001407940.1, NM_001407941.1, NM_001407671.1 and 12 more transcripts); c.4179_4181del, p.Glu1393del (NM_001407942.1, NM_001407944.1, NM_001407945.1 and 23 more transcripts); and 52 more; short protein forms E1144del, E1271del, E1312del, E1313del, E1327del, E1328del, E1329del, E1350del.
Identifiers: ClinVar variation 4539185 (VCV004539185.1).

ClinVar aggregate classification (germline): Likely benign (1 of 4 stars; one submission).

Submission:

Center for Genomic Medicine, Rigshospitalet, Copenhagen University Hospital
Classification: Likely benign. Last evaluated: 2025-12-29. Review status: criteria provided, single submitter. Criteria: ACMG Guidelines, 2015. Collection method: clinical testing. Allele origin: germline.
Comment: Classification criteria: BP1_strong, PM2_supporting